The following is an entry in ClinVar:

ClinVar aggregate classification (germline): Uncertain significance (1 of 4 stars; one submission).

Conditions:
RASopathy. Also called: rasopathies; Noonan spectrum disorder. Identifiers: Orphanet 536391, MedGen C5555857, MONDO:0021060.

Allele frequency attached by ClinVar (database versions not stated): gnomAD exomes below 0.00001; gnomAD 0.00001; TOPMed 0.00001.
gnomAD v4.1: 2 of 1,607,266 alleles (0.00012%); highest among the groups gnomAD compares: African/African-American, 0.0027%; no homozygotes.

Submission:

Labcorp Genetics (formerly Invitae), Labcorp
Classification: Uncertain significance for RASopathy. Last evaluated: 2022-04-07. Review status: criteria provided, single submitter. Criteria: Invitae Variant Classification Sherloc (09022015). Collection method: clinical testing. Allele origin: germline.
Comment: This sequence change replaces serine, which is neutral and polar, with proline, which is neutral and non-polar, at codon 802 of the SOS1 protein (p.Ser802Pro). This variant is present in population databases (no rsID available, gnomAD 0.007%). This variant has not been reported in the literature in individuals affected with SOS1-related conditions. Advanced modeling of protein sequence and biophysical properties (such as structural, functional, and spatial information, amino acid conservation, physicochemical variation, residue mobility, and thermodynamic stability) performed at Invitae indicates that this missense variant is expected to disrupt SOS1 protein function. In summary, the available evidence is currently insufficient to determine the role of this variant in disease. Therefore, it has been classified as a Variant of Uncertain Significance.

NM_005633.4(SOS1):c.2404T>C (p.Ser802Pro)

Gene: SOS1 (SOS Ras/Rac guanine nucleotide exchange factor 1; minus strand). Cytogenetic location: 2p22.1.
Variant type: single nucleotide variant.
Coding change: c.2404T>C on transcript NM_005633.4 (MANE Select); coding-DNA position 2404, T replaced by C.
Protein change: p.Ser802Pro; replaces serine 802 with proline.
Molecular consequence: missense variant.
Genome position (GRCh38, 1-based): chr2:39,010,690, A>G on the plus strand (T>C on the coding strand, the complement: SOS1 is on the minus strand). VCF-style: chr2-39010690-A-G. GRCh37 (hg19) VCF-style: chr2-39237831-A-G.
Other names: c.2383T>C, p.Ser795Pro (NM_001382394.1); c.2404T>C, p.Ser802Pro (NM_001382395.1); short protein forms S795P, S802P.
Identifiers: ClinVar variation 2171739 (VCV002171739.4), dbSNP rs1175809874, ClinGen allele CA346363944.